The following is an entry in ClinVar:

NM_001353345.2(SETD1B):c.2757G>C (p.Glu919Asp)

Gene: SETD1B (SET domain containing 1B, histone lysine methyltransferase; plus strand). Cytogenetic location: 12q24.31.
Variant type: single nucleotide variant.
Coding change: c.2757G>C on transcript NM_001353345.2 (MANE Select); coding-DNA position 2757, G replaced by C.
Protein change: p.Glu919Asp; replaces glutamic acid 919 with aspartic acid.
Molecular consequence: missense variant.
Genome position (GRCh38, 1-based): chr12:121,817,074, G>C. VCF-style: chr12-121817074-G-C. GRCh37 (hg19) VCF-style: chr12-122254980-G-C.
Other names: NM_015048.1:c.2757G>C; short protein forms E919D.
Identifiers: ClinVar variation 2342384 (VCV002342384.3), dbSNP rs757701539, ClinGen allele CA386995376.

ClinVar aggregate classification (germline): Conflicting classifications of pathogenicity. Review status: criteria provided, conflicting classifications (1 of 4 stars). 2 submissions from 2 submitters: Uncertain significance (1); Likely benign (1). Last evaluated 2026-09-01.

Conditions:
Inborn genetic diseases. Identifiers: MedGen C0950123, MeSH D030342.

gnomAD v4.1: 7 of 1,546,296 alleles (0.00045%); highest among the groups gnomAD compares: Admixed American, 0.0098%; no homozygotes.

Submissions (2):

CeGaT Center for Human Genetics Tuebingen
Classification: Likely benign. Last evaluated: 2026-09-01. Review status: criteria provided, single submitter. Criteria: CeGaT Center For Human Genetics Tuebingen Variant Classification Criteria Version 2. Collection method: clinical testing. Allele origin: germline. Affected: yes. Observed: 1 variant allele.
Comment: SETD1B: BS2

Ambry Genetics
Classification: Uncertain significance for Inborn genetic diseases. Last evaluated: 2021-06-15. Review status: criteria provided, single submitter. Criteria: Ambry Variant Classification Scheme 2023. Collection method: clinical testing. Allele origin: germline.